The following is an entry in ClinVar:

NM_000493.4(COL10A1):c.1451G>A (p.Gly484Asp)

Genes: COL10A1 (collagen type X alpha 1 chain; minus strand), NT5DC1 (5'-nucleotidase domain containing 1; plus strand). Cytogenetic location: 6q22.1.
Variant type: single nucleotide variant.
Coding change: c.1451G>A on transcript NM_000493.4 (MANE Select); coding-DNA position 1451, G replaced by A.
Protein change: p.Gly484Asp; replaces glycine 484 with aspartic acid.
Molecular consequence: missense variant. On other transcripts: intron variant (1).
Genome position (GRCh38, 1-based): chr6:116,120,665, C>T on the plus strand (G>A on the coding strand, the complement: COL10A1 is on the minus strand). VCF-style: chr6-116120665-C-T. GRCh37 (hg19) VCF-style: chr6-116441828-C-T.
Other names: c.1451G>A, p.Gly484Asp (NM_001424106.1, NM_001424107.1); c.529+2720C>T (NM_152729.3); short protein forms G484D.
Identifiers: ClinVar variation 1946506 (VCV001946506.5), dbSNP rs769122278, ClinGen allele CA145908820.
Genomic context (GRCh38, chr6:116,120,665, plus strand): 5'-GGCTCTCCAGAGTGGCCTCTTGGACCTGGAGGCCCTGGTGGCCCGGTGGGTCCATTGAGG[C>T]CCTTAGTTGCTATGCCAGCTGGGCCAGGAGGACCGGGACTTCCTGGATCCCCTTTAGACC-3'
Protein context (NP_000484.2, residues 474-494): PPGPAGIATK[Gly484Asp]LNGPTGPPGP

ClinVar aggregate classification (germline): Uncertain significance (1 of 4 stars; one submission).

Allele frequency attached by ClinVar (database versions not stated): gnomAD 0.00001; TOPMed 0.00001.
gnomAD v4.1: 9 of 1,545,664 alleles (0.00058%); highest among the groups gnomAD compares: African/African-American, 0.0028%; no homozygotes.

Submission:

Labcorp Genetics (formerly Invitae), Labcorp
Classification: Uncertain significance. Last evaluated: 2022-10-05. Review status: criteria provided, single submitter. Criteria: Invitae Variant Classification Sherloc (09022015). Collection method: clinical testing. Allele origin: germline.
Comment: Advanced modeling of protein sequence and biophysical properties (such as structural, functional, and spatial information, amino acid conservation, physicochemical variation, residue mobility, and thermodynamic stability) has been performed at Invitae for this missense variant, however the output from this modeling did not meet the statistical confidence thresholds required to predict the impact of this variant on COL10A1 protein function. This variant has not been reported in the literature in individuals affected with COL10A1-related conditions. This variant is not present in population databases (gnomAD no frequency). This sequence change replaces glycine, which is neutral and non-polar, with aspartic acid, which is acidic and polar, at codon 484 of the COL10A1 protein (p.Gly484Asp). In summary, the available evidence is currently insufficient to determine the role of this variant in disease. Therefore, it has been classified as a Variant of Uncertain Significance.